The following is an entry in ClinVar:

ClinVar aggregate classification (germline): Pathogenic/Likely pathogenic. Review status: criteria provided, multiple submitters, no conflicts (2 of 4 stars). 2 submissions from 2 submitters: Pathogenic (1); Likely pathogenic (1). Last evaluated 2024-01-08.

Conditions:
Developmental delay with or without intellectual impairment or behavioral abnormalities. Identifiers: MedGen C5562004, MONDO:0859199, OMIM 619575.

Submissions (2):

GeneDx
Classification: Pathogenic. Last evaluated: 2024-01-08. Review status: criteria provided, single submitter. Criteria: GeneDx Variant Classification Process June 2021. Collection method: clinical testing. Allele origin: germline. Affected: yes.
Comment: Not observed at significant frequency in large population cohorts (gnomAD); In silico analysis supports that this missense variant has a deleterious effect on protein structure/function; This variant is associated with the following publications: (PMID: 35091509)

3billion
Classification: Likely pathogenic for Developmental delay with or without intellectual impairment or behavioral abnormalities. Last evaluated: 2023-11-09. Review status: criteria provided, single submitter. Criteria: ACMG Guidelines, 2015. Collection method: clinical testing. Allele origin: germline. Affected: yes.
Comment: The variant is not observed in the gnomAD v2.1.1 dataset. Predicted Consequence/Location: Missense changes are a common disease-causing mechanism. Same nucleotide change resulting in same amino acid change has been previously reported to be associated with TAOK1 related disorder (PMID: 35091509). The variant has been previously reported as de novo in a similarly affected individual (PMID: 35091509). Therefore, this variant is classified as Likely pathogenic according to the recommendation of ACMG/AMP guideline.

Literature cited by the submitters: PubMed 35091509 (cited by 3billion).

NM_020791.4(TAOK1):c.1324C>T (p.Arg442Trp)

Gene: TAOK1 (TAO kinase 1; plus strand). Cytogenetic location: 17q11.2.
Variant type: single nucleotide variant.
Coding change: c.1324C>T on transcript NM_020791.4 (MANE Select); coding-DNA position 1324, C replaced by T.
Protein change: p.Arg442Trp; replaces arginine 442 with tryptophan.
Molecular consequence: missense variant.
Genome position (GRCh38, 1-based): chr17:29,502,709, C>T. VCF-style: chr17-29502709-C-T. GRCh37 (hg19) VCF-style: chr17-27829727-C-T.
Other names: c.1324C>T, p.Arg442Trp (NM_025142.1); short protein forms R442W.
Identifiers: ClinVar variation 1307834 (VCV001307834.4), dbSNP rs2153028699, ClinGen allele CA399195561.
Genomic context (GRCh38, chr17:29,502,709, plus strand): 5'-CCACCCCAAGTATCTCGTCACAAATCACACTATCGTAATCGAGAACACTTTGCTACTATA[C>T]GGACAGCATCACTGGTATGTACTTACCCGAATTAGAGATAAATATATTTTTCATGTGGGA-3'
Protein context (NP_065842.1, residues 432-452): YRNREHFATI[Arg442Trp]TASLVTRQMQ